The following is an entry in ClinVar:

NM_024422.6(DSC2):c.82G>T (p.Ala28Ser)

Gene: DSC2 (desmocollin 2; minus strand). Cytogenetic location: 18q12.1.
Variant type: single nucleotide variant.
Coding change: c.82G>T on transcript NM_024422.6 (MANE Select); coding-DNA position 82, G replaced by T.
Protein change: p.Ala28Ser; replaces alanine 28 with serine.
Molecular consequence: missense variant.
Genome position (GRCh38, 1-based): chr18:31,093,631, C>A on the plus strand (G>T on the coding strand, the complement: DSC2 is on the minus strand). VCF-style: chr18-31093631-C-A. GRCh37 (hg19) VCF-style: chr18-28673594-C-A.
Other names: c.82G>T, p.Ala28Ser (NM_004949.5); short protein forms A28S.
Identifiers: ClinVar variation 234988 (VCV000234988.25), dbSNP rs139979318, ClinGen allele CA040172.

ClinVar aggregate classification (germline): Conflicting classifications of pathogenicity. Review status: criteria provided, conflicting classifications (1 of 4 stars). 8 submissions from 8 submitters: Uncertain significance (7); Likely benign (1). Last evaluated 2025-12-02.

Conditions:
Cardiovascular phenotype. Identifiers: MedGen CN230736.
Cardiomyopathy (CMYO). Also called: Cardiomyopathies. Identifiers: Orphanet 167848, MedGen C0878544, MONDO:0004994, HP:0001638. Inheritance: Various modes of inheritance.
Arrhythmogenic right ventricular dysplasia 11. Also called: Arrhythmogenic Right Ventricular Dysplasia/Cardiomyopathy11; ARRHYTHMOGENIC RIGHT VENTRICULAR DYSPLASIA, FAMILIAL, 11; Arrhythmogenic right ventricular dysplasia 11 with mild palmoplantar keratoderma and woolly hair. Identifiers: MedGen C1864850, MONDO:0012506, OMIM 610476.
Primary familial dilated cardiomyopathy (FDC). Also called: Familial dilated cardiomyopathy; Hypokinetic dilated cardiomyopathy, familial. Identifiers: Orphanet 217607, MedGen C0340427, MONDO:0016333.
Familial isolated arrhythmogenic right ventricular dysplasia. Identifiers: Orphanet 217656, MedGen C4274968, MONDO:0016342.

Allele frequency attached by ClinVar (database versions not stated): ExAC 0.00002; gnomAD 0.00009 and 0.00008; ESP Exome Variant Server 0.00023; TOPMed 0.00020; gnomAD exomes 0.00001.
gnomAD v4.1: 31 of 1,583,336 alleles (0.002%); highest among the groups gnomAD compares: African/African-American, 0.035%; no homozygotes.

Submissions (8):

Labcorp Genetics (formerly Invitae), Labcorp
Classification: Uncertain significance for Arrhythmogenic right ventricular dysplasia 11. Last evaluated: 2025-12-02. Review status: criteria provided, single submitter. Criteria: Invitae Variant Classification Sherloc (09022015). Collection method: clinical testing. Allele origin: germline.
Comment: This sequence change replaces alanine, which is neutral and non-polar, with serine, which is neutral and polar, at codon 28 of the DSC2 protein (p.Ala28Ser). This variant is present in population databases (rs139979318, gnomAD 0.02%). This variant has not been reported in the literature in individuals affected with DSC2-related conditions. ClinVar contains an entry for this variant (Variation ID: 234988). Invitae Evidence Modeling of protein sequence and biophysical properties (such as structural, functional, and spatial information, amino acid conservation, physicochemical variation, residue mobility, and thermodynamic stability) indicates that this missense variant is not expected to disrupt DSC2 protein function with a negative predictive value of 80%. In summary, the available evidence is currently insufficient to determine the role of this variant in disease. Therefore, it has been classified as a Variant of Uncertain Significance.

ARUP Laboratories, Molecular Genetics and Genomics, ARUP Laboratories
Classification: Uncertain significance. Last evaluated: 2024-11-15. Review status: criteria provided, single submitter. Criteria: ARUP Molecular Germline Variant Investigation Process 2024. Collection method: clinical testing. Allele origin: germline.
Comment: The DSC2 c.82G>T; p.Ala28Ser variant (rs139979318), to our knowledge, is not reported in the medical literature but is reported in ClinVar (Variation ID: 234988). This variant is only observed on five alleles in the Genome Aggregation Database (v2.1.1), indicating it is not a common polymorphism. Computational analyses predict that this variant is neutral (REVEL: 0.051). Due to limited information, the clinical significance of this variant is uncertain at this time.

All of Us Research Program, National Institutes of Health
Classification: Uncertain significance for Familial isolated arrhythmogenic right ventricular dysplasia. Last evaluated: 2024-08-06. Review status: criteria provided, single submitter. Criteria: ACMG Guidelines, 2015. Collection method: clinical testing. Allele origin: germline. Inheritance: Autosomal dominant inheritance. Observed: 10 variant alleles, 10 heterozygotes.
Comment: This missense variant replaces alanine with serine at codon 28 of the DSC2 protein. Computational prediction tools and conservation analyses suggest that this variant may not impact the protein function. Computational splicing tools suggest that this variant may not impact RNA splicing. To our knowledge, functional assays have not been performed for this variant nor has this variant been reported in individuals affected with cardiovascular disorders in the literature. This variant has been identified in 5/280590 chromosomes in the general population by the Genome Aggregation Database (gnomAD). Available evidence is insufficient to determine the role of this variant in disease conclusively. Therefore, this variant is classified as a Variant of Uncertain Significance.

This study involves interpretation of variants in research participants for the purpose of population health screening. Participant phenotype was not available at the time of variant classification. Additional details can be found in publication PMID: 35346344, PMCID: PMC8962531

Color Diagnostics, LLC DBA Color Health
Classification: Uncertain significance for Cardiomyopathy. Last evaluated: 2024-07-01. Review status: criteria provided, single submitter. Criteria: ACMG Guidelines, 2015. Collection method: clinical testing. Allele origin: germline.
Comment: This missense variant replaces alanine with serine at codon 28 of the DSC2 protein. Computational prediction suggests that this variant may not impact protein structure and function. To our knowledge, functional studies have not been reported for this variant. This variant has not been reported in individuals affected with DSC2-related disorders in the literature. This variant has been identified in 5/280590 chromosomes in the general population by the Genome Aggregation Database (gnomAD). The available evidence is insufficient to determine the role of this variant in disease conclusively. Therefore, this variant is classified as a Variant of Uncertain Significance.

GeneDx
Classification: Uncertain significance. Last evaluated: 2022-03-08. Review status: criteria provided, single submitter. Criteria: GeneDx Variant Classification Process June 2021. Collection method: clinical testing. Allele origin: germline. Affected: yes.
Comment: Has not been previously published as pathogenic or benign to our knowledge; Not observed at a significant frequency in large population cohorts (gnomAD); In silico analysis supports that this missense variant does not alter protein structure/function

Ambry Genetics
Classification: Likely benign for Cardiovascular phenotype. Last evaluated: 2021-08-24. Review status: criteria provided, single submitter. Criteria: Ambry Variant Classification Scheme 2023. Collection method: clinical testing. Allele origin: germline.

Molecular Diagnostic Laboratory for Inherited Cardiovascular Disease, Montreal Heart Institute
Classification: Uncertain significance for Primary familial dilated cardiomyopathy. Last evaluated: 2017-03-30. Review status: criteria provided, single submitter. Criteria: ACMG Guidelines, 2015. Collection method: clinical testing. Allele origin: germline. Affected: yes.

Stanford Center for Inherited Cardiovascular Disease, Stanford University
Classification: Uncertain significance. Last evaluated: 2013-01-07. Review status: criteria provided, single submitter. Criteria: ACMG Guidelines, 2015. Collection method: provider interpretation. Allele origin: germline.